The following is an entry in ClinVar:

ClinVar aggregate classification (germline): Likely pathogenic (1 of 4 stars; one submission).

Conditions:
Kabuki syndrome 1 (KABUK1). Also called: KMT2D-Related Kabuki Syndrome. Identifiers: Orphanet 2322, MedGen CN030661, MONDO:0007843, OMIM 147920.

Submission:

Molecular Genetics Laboratory, Motol Hospital
Classification: Likely pathogenic for Kabuki syndrome 1. Last evaluated: 2024-11-20. Review status: criteria provided, single submitter. Criteria: ACMG Guidelines, 2015. Collection method: clinical testing. Allele origin: de novo. Affected: yes. Observed: 1 variant allele.
Comment: The variant was confirmed to be of a de novo origin. Rare variants, including splice-site variants, affecting the KMT2D gene are documented as a molecular cause of Kabuki syndrome (PMID:22126750;34675602;25972376). Different nucleotide change in the same position c.176+1G>A (ClinVar Variation ID: 802855) is reported as pathogenic. To conclude, the variant is classified as likely pathogenic (ACMG PVS1, PM2, PS2).

Literature cited by the submitters: PubMed 22126750; PubMed 34675602; PubMed 25972376.

NM_003482.4(KMT2D):c.176+1del

Gene: KMT2D (lysine methyltransferase 2D; minus strand). Cytogenetic location: 12q13.12.
Variant type: Deletion.
Coding change: c.176+1del on transcript NM_003482.4 (MANE Select); the canonical splice donor site of the intron after coding-DNA position 176, one base deleted (G; older notation c.176+1delG).
Molecular consequence: splice donor variant.
Genome position (GRCh38, 1-based): chr12:49,054,899, C deleted on the plus strand (G on the coding strand, the reverse complement: KMT2D is on the minus strand); the first of 2 consecutive C bases (chr12:49,054,899-49,054,900); deleting either gives the same sequence. VCF-style (leftmost placement, unchanged base first): chr12-49054898-AC-A. GRCh37 (hg19) VCF-style: chr12-49448681-AC-A.
Identifiers: ClinVar variation 3378408 (VCV003378408.1).